The following is an entry in ClinVar:

NM_058216.3(RAD51C):c.371G>C (p.Cys124Ser)

Gene: RAD51C (RAD51 paralog C; plus strand). Cytogenetic location: 17q22.
Variant type: single nucleotide variant.
Coding change: c.371G>C on transcript NM_058216.3 (MANE Select); coding-DNA position 371, G replaced by C.
Protein change: p.Cys124Ser; replaces cysteine 124 with serine.
Molecular consequence: missense variant. On other transcripts: non-coding transcript variant (2).
Genome position (GRCh38, 1-based): chr17:58,695,156, G>C. VCF-style: chr17-58695156-G-C. GRCh37 (hg19) VCF-style: chr17-56772517-G-C.
Other names: c.371G>C, p.Cys124Ser (NM_002876.4); short protein forms C124S.
Identifiers: ClinVar variation 1359378 (VCV001359378.10), dbSNP rs2143726574, ClinGen allele CA400341822.

ClinVar aggregate classification (germline): Uncertain significance. Review status: criteria provided, multiple submitters, no conflicts (2 of 4 stars). 2 submissions from 2 submitters: Uncertain significance (2). Last evaluated 2022-07-19.

Conditions:
Hereditary cancer-predisposing syndrome. Also called: Hereditary Cancer Syndrome; Hereditary neoplastic syndrome; Tumor predisposition; Neoplastic Syndromes, Hereditary. Identifiers: Orphanet 140162, MedGen C0027672, MeSH D009386, MONDO:0015356.
Fanconi anemia complementation group O. Also called: RAD51C-Related Fanconi Anemia. Identifiers: Orphanet 84, MedGen C3150653, MONDO:0013248, OMIM 613390.

Submissions (2):

Ambry Genetics
Classification: Uncertain significance for Hereditary cancer-predisposing syndrome. Last evaluated: 2022-07-19. Review status: criteria provided, single submitter. Criteria: Ambry Variant Classification Scheme 2023. Collection method: clinical testing. Allele origin: germline.
Comment: The p.C124S variant (also known as c.371G>C), located in coding exon 2 of the RAD51C gene, results from a G to C substitution at nucleotide position 371. The cysteine at codon 124 is replaced by serine, an amino acid with dissimilar properties. This amino acid position is conserved. In addition, this alteration is predicted to be deleterious by in silico analysis. Since supporting evidence is limited at this time, the clinical significance of this alteration remains unclear.

Labcorp Genetics (formerly Invitae), Labcorp
Classification: Uncertain significance for Fanconi anemia complementation group O. Last evaluated: 2022-01-23. Review status: criteria provided, single submitter. Criteria: Invitae Variant Classification Sherloc (09022015). Collection method: clinical testing. Allele origin: germline.
Comment: In summary, the available evidence is currently insufficient to determine the role of this variant in disease. Therefore, it has been classified as a Variant of Uncertain Significance. Algorithms developed to predict the effect of missense changes on protein structure and function are either unavailable or do not agree on the potential impact of this missense change (SIFT: "Tolerated"; PolyPhen-2: "Possibly Damaging"; Align-GVGD: "Class C0"). This variant has not been reported in the literature in individuals affected with RAD51C-related conditions. This variant is not present in population databases (gnomAD no frequency). This sequence change replaces cysteine, which is neutral and slightly polar, with serine, which is neutral and polar, at codon 124 of the RAD51C protein (p.Cys124Ser).